The following is an entry in ClinVar:

NM_003803.4(MYOM1):c.2869C>T (p.Pro957Ser)

Gene: MYOM1 (myomesin 1; minus strand). Cytogenetic location: 18p11.31.
Variant type: single nucleotide variant.
Coding change: c.2869C>T on transcript NM_003803.4 (MANE Select); coding-DNA position 2869, C replaced by T.
Protein change: p.Pro957Ser; replaces proline 957 with serine.
Molecular consequence: missense variant.
Genome position (GRCh38, 1-based): chr18:3,126,823, G>A on the plus strand (C>T on the coding strand, the complement: MYOM1 is on the minus strand). VCF-style: chr18-3126823-G-A. GRCh37 (hg19) VCF-style: chr18-3126821-G-A.
Other names: c.2581C>T, p.Pro861Ser (NM_019856.2); short protein forms P957S, P861S.
Identifiers: ClinVar variation 4115970 (VCV004115970.1).

ClinVar aggregate classification (germline): Uncertain significance (1 of 4 stars; one submission).

gnomAD v4.1: 4 of 1,613,494 alleles (0.00025%); highest among the groups gnomAD compares: East Asian, 0.0022%; no homozygotes.

Submission:

Ambry Genetics
Classification: Uncertain significance. Last evaluated: 2025-06-30. Review status: criteria provided, single submitter. Criteria: Ambry Variant Classification Scheme 2023. Collection method: clinical testing. Allele origin: germline.
Comment: The p.P957S variant (also known as c.2869C>T), located in coding exon 18 of the MYOM1 gene, results from a C to T substitution at nucleotide position 2869. The proline at codon 957 is replaced by serine, an amino acid with similar properties. This amino acid position is conserved. In addition, this alteration is predicted to be deleterious by in silico analysis. Based on the available evidence, the clinical significance of this variant remains unclear.